The following is an entry in ClinVar:

NM_001170700.3(DTHD1):c.1158A>G (p.Ile386Met)

Gene: DTHD1 (death domain containing 1; plus strand). Cytogenetic location: 4p14.
Variant type: single nucleotide variant.
Coding change: c.1158A>G on transcript NM_001170700.3 (MANE Select); coding-DNA position 1158, A replaced by G.
Protein change: p.Ile386Met; replaces isoleucine 386 with methionine.
Molecular consequence: missense variant. On other transcripts: non-coding transcript variant (2).
Genome position (GRCh38, 1-based): chr4:36,290,643, A>G. VCF-style: chr4-36290643-A-G. GRCh37 (hg19) VCF-style: chr4-36292265-A-G.
Other names: c.288A>G, p.Ile96Met (NM_001136536.5, NM_001378435.1); short protein forms I386M, I96M.
Identifiers: ClinVar variation 2796828 (VCV002796828.3), dbSNP rs2529718665, ClinGen allele CA356679170.

ClinVar aggregate classification (germline): Uncertain significance (1 of 4 stars; one submission).

gnomAD v4.1: 1 of 1,547,846 alleles (0.000065%); no homozygotes.

Submission:

Labcorp Genetics (formerly Invitae), Labcorp
Classification: Uncertain significance. Last evaluated: 2023-07-19. Review status: criteria provided, single submitter. Criteria: Invitae Variant Classification Sherloc (09022015). Collection method: clinical testing. Allele origin: germline.
Comment: In summary, the available evidence is currently insufficient to determine the role of this variant in disease. Therefore, it has been classified as a Variant of Uncertain Significance. An algorithm developed to predict the effect of missense changes on protein structure and function (PolyPhen-2) suggests that this variant is likely to be tolerated. This variant has not been reported in the literature in individuals affected with DTHD1-related conditions. This variant is not present in population databases (gnomAD no frequency). This sequence change replaces isoleucine, which is neutral and non-polar, with methionine, which is neutral and non-polar, at codon 96 of the DTHD1 protein (p.Ile96Met).